The following is an entry in ClinVar:

ClinVar aggregate classification (germline): Uncertain significance (1 of 4 stars; one submission).

Conditions:
Hereditary cancer-predisposing syndrome. Also called: Hereditary Cancer Syndrome; Hereditary neoplastic syndrome; Tumor predisposition; Neoplastic Syndromes, Hereditary. Identifiers: Orphanet 140162, MedGen C0027672, MeSH D009386, MONDO:0015356.

Submission:

Ambry Genetics
Classification: Uncertain significance for Hereditary cancer-predisposing syndrome. Last evaluated: 2019-04-30. Review status: criteria provided, single submitter. Criteria: Ambry Variant Classification Scheme 2023. Collection method: clinical testing. Allele origin: germline.
Comment: The p.A765V variant (also known as c.2294C>T), located in coding exon 14 of the PMS2 gene, results from a C to T substitution at nucleotide position 2294. The alanine at codon 765 is replaced by valine, an amino acid with similar properties. This amino acid position is not well conserved in available vertebrate species, and valine is the reference amino acid in other vertebrate species. In addition, this alteration is predicted to be tolerated by in silico analysis. Since supporting evidence is limited at this time, the clinical significance of this alteration remains unclear.

NM_000535.7(PMS2):c.2294C>T (p.Ala765Val)

Gene: PMS2 (PMS1 homolog 2, mismatch repair system component; minus strand). Cytogenetic location: 7p22.1.
Variant type: single nucleotide variant.
Coding change: c.2294C>T on transcript NM_000535.7 (MANE Select); coding-DNA position 2294, C replaced by T.
Protein change: p.Ala765Val; replaces alanine 765 with valine.
Molecular consequence: missense variant.
Genome position (GRCh38, 1-based): chr7:5,977,739, G>A on the plus strand (C>T on the coding strand, the complement: PMS2 is on the minus strand). VCF-style: chr7-5977739-G-A. GRCh37 (hg19) VCF-style: chr7-6017370-G-A.
Other names: c.1889C>T, p.Ala630Val (NM_001406897.1, NM_001406898.1, NM_001406899.1 and 12 more transcripts); c.1829C>T, p.Ala610Val (NM_001406900.1); c.1820C>T, p.Ala607Val (NM_001406901.1, NM_001406902.1); c.1808C>T, p.Ala603Val (NM_001406903.1); c.2138C>T, p.Ala713Val (NM_001322006.2); c.1976C>T, p.Ala659Val (NM_001322007.2, NM_001322008.2, NM_001406883.1); c.1922C>T, p.Ala641Val (NM_001322009.2, NM_001406887.1, NM_001406888.1); c.1733C>T, p.Ala578Val (NM_001322010.2, NM_001406906.1, NM_001406907.1); and 18 more; short protein forms A594V, A607V, A657V, A670V, A673V, A699V, A709V, A724V.
Identifiers: ClinVar variation 1789148 (VCV001789148.2), dbSNP rs1295232723, ClinGen allele CA366736105.